The following is an entry in ClinVar:

ClinVar aggregate classification (germline): Uncertain significance. Review status: criteria provided, multiple submitters, no conflicts (2 of 4 stars). 4 submissions from 4 submitters: Uncertain significance (4). Last evaluated 2025-08-27.

Conditions:
Hereditary cancer-predisposing syndrome. Also called: Tumor predisposition; Neoplastic Syndromes, Hereditary; Hereditary neoplastic syndrome; Hereditary Cancer Syndrome. Identifiers: Orphanet 140162, MedGen C0027672, MeSH D009386, MONDO:0015356.
Familial adenomatous polyposis 2. Also called: MYH-associated polyposis; FAP type 2; COLORECTAL ADENOMATOUS POLYPOSIS, AUTOSOMAL RECESSIVE; ADENOMAS, MULTIPLE COLORECTAL, AUTOSOMAL RECESSIVE; MUTYH-related attenuated familial adenomatous polyposis; MUTYH Polyposis. Identifiers: Orphanet 220460, Orphanet 247798, MedGen C3272841, MONDO:0012041, OMIM 608456.

Submissions (4):

Ambry Genetics
Classification: Uncertain significance for Hereditary cancer-predisposing syndrome. Last evaluated: 2025-08-27. Review status: criteria provided, single submitter. Criteria: Ambry Variant Classification Scheme 2023. Collection method: clinical testing. Allele origin: germline.
Comment: The p.D89H variant (also known as c.265G>C), located in coding exon 3 of the MUTYH gene, results from a G to C substitution at nucleotide position 265. The aspartic acid at codon 89 is replaced by histidine, an amino acid with similar properties. This amino acid position is conserved. In addition, the in silico prediction for this alteration is inconclusive. Based on the available evidence, the clinical significance of this variant remains unclear.

Labcorp Genetics (formerly Invitae), Labcorp
Classification: Uncertain significance for Familial adenomatous polyposis 2. Last evaluated: 2025-01-12. Review status: criteria provided, single submitter. Criteria: Invitae Variant Classification Sherloc (09022015). Collection method: clinical testing. Allele origin: germline.
Comment: This sequence change replaces aspartic acid, which is acidic and polar, with histidine, which is basic and polar, at codon 89 of the MUTYH protein (p.Asp89His). This variant is not present in population databases (gnomAD no frequency). This variant has not been reported in the literature in individuals affected with MUTYH-related conditions. ClinVar contains an entry for this variant (Variation ID: 584588). An algorithm developed to predict the effect of missense changes on protein structure and function (PolyPhen-2) suggests that this variant is likely to be tolerated. In summary, the available evidence is currently insufficient to determine the role of this variant in disease. Therefore, it has been classified as a Variant of Uncertain Significance.

Color Diagnostics, LLC DBA Color Health
Classification: Uncertain significance for Hereditary cancer-predisposing syndrome. Last evaluated: 2024-03-06. Review status: criteria provided, single submitter. Criteria: ACMG Guidelines, 2015. Collection method: clinical testing. Allele origin: germline.
Comment: This missense variant replaces aspartic acid with histidine at codon 89 of the MUTYH protein. Computational prediction suggests that this variant may not impact protein structure and function (internally defined REVEL score threshold <= 0.5, PMID: 27666373). To our knowledge, functional studies have not been reported for this variant. This variant has not been reported in individuals affected with hereditary cancer in the literature. This variant has not been identified in the general population by the Genome Aggregation Database (gnomAD). The available evidence is insufficient to determine the role of this variant in disease conclusively. Therefore, this variant is classified as a Variant of Uncertain Significance.

Mendelics
Classification: Uncertain significance for MYH-associated polyposis. Last evaluated: 2018-07-02. Review status: criteria provided, single submitter. Criteria: Mendelics Assertion Criteria 2017. Collection method: clinical testing. Allele origin: unknown.

NM_001048174.2(MUTYH):c.181G>C (p.Asp61His)

Gene: MUTYH (mutY DNA glycosylase; minus strand). Cytogenetic location: 1p34.1.
Variant type: single nucleotide variant.
Coding change: c.181G>C on transcript NM_001048174.2 (MANE Select); coding-DNA position 181, G replaced by C.
Protein change: p.Asp61His; replaces aspartic acid 61 with histidine.
Molecular consequence: missense variant. On other transcripts: 5 prime UTR variant (4), non-coding transcript variant (2).
Genome position (GRCh38, 1-based): chr1:45,333,496, C>G on the plus strand (G>C on the coding strand, the complement: MUTYH is on the minus strand). VCF-style: chr1-45333496-C-G. GRCh37 (hg19) VCF-style: chr1-45799168-C-G.
Other names: c.181G>C, p.Asp61His (NM_001048171.2, NM_001048173.2, NM_001293195.2); c.184G>C, p.Asp62His (NM_001048172.2); c.265G>C, p.Asp89His (NM_001128425.2); c.226G>C, p.Asp76His (NM_001293190.2); c.214G>C, p.Asp72His (NM_001293191.2); c.-96G>C (NM_001293192.2, NM_001293196.2); c.-91G>C (NM_001350650.2, NM_001350651.2); c.256G>C, p.Asp86His (NM_012222.3); short protein forms D89H, D61H, D62H, D72H, D86H, D76H.
Identifiers: ClinVar variation 584588 (VCV000584588.13), dbSNP rs1557486724, ClinGen allele CA340136494.